The following is an entry in ClinVar:

ClinVar aggregate classification (germline): Uncertain significance (1 of 4 stars; one submission).

Conditions:
Primary ciliary dyskinesia. Also called: Ciliary dyskinesia. Identifiers: Orphanet 244, MedGen C0008780, MONDO:0016575, HP:0012265.

Submission:

Labcorp Genetics (formerly Invitae), Labcorp
Classification: Uncertain significance for Primary ciliary dyskinesia. Last evaluated: 2026-01-17. Review status: criteria provided, single submitter. Criteria: Invitae Variant Classification Sherloc (09022015). Collection method: clinical testing. Allele origin: germline.
Comment: This sequence change replaces leucine, which is neutral and non-polar, with valine, which is neutral and non-polar, at codon 2160 of the DNAH11 protein (p.Leu2160Val). This variant is not present in population databases (gnomAD no frequency). This variant has not been reported in the literature in individuals affected with DNAH11-related conditions. Invitae Evidence Modeling of protein sequence and biophysical properties (such as structural, functional, and spatial information, amino acid conservation, physicochemical variation, residue mobility, and thermodynamic stability) indicates that this missense variant is not expected to disrupt DNAH11 protein function with a negative predictive value of 95%. In summary, the available evidence is currently insufficient to determine the role of this variant in disease. Therefore, it has been classified as a Variant of Uncertain Significance.

NM_001277115.2(DNAH11):c.6478C>G (p.Leu2160Val)

Gene: DNAH11 (dynein axonemal heavy chain 11; plus strand). Cytogenetic location: 7p15.3.
Variant type: single nucleotide variant.
Coding change: c.6478C>G on transcript NM_001277115.2 (MANE Select); coding-DNA position 6478, C replaced by G.
Protein change: p.Leu2160Val; replaces leucine 2160 with valine.
Molecular consequence: missense variant.
Genome position (GRCh38, 1-based): chr7:21,705,469, C>G. VCF-style: chr7-21705469-C-G. GRCh37 (hg19) VCF-style: chr7-21745087-C-G.
Other names: short protein forms L2160V.
Identifiers: ClinVar variation 4763730 (VCV004763730.1).
Genomic context (GRCh38, chr7:21,705,469, plus strand): 5'-TTTGTCACCAACTCCTTAAAGGAAACCAGCAACCAGCTGTTTGCTCTGCAGGTTGTCCAG[C>G]TTGAGGAACTGTTGGCTGTGCGGCACTCGGTCTTTGTAGTTGGAAATGCAGGCACAGGAA-3'
Protein context (NP_001264044.1, residues 2150-2170): EESFILKVVQ[Leu2160Val]EELLAVRHSV